The following is an entry in ClinVar:

ClinVar aggregate classification (germline): Uncertain significance. Review status: criteria provided, multiple submitters, no conflicts (2 of 4 stars). 2 submissions from 2 submitters: Uncertain significance (2). Last evaluated 2023-03-03.

Conditions:
Hereditary cancer-predisposing syndrome. Also called: Neoplastic Syndromes, Hereditary; Tumor predisposition; Hereditary neoplastic syndrome; Hereditary Cancer Syndrome. Identifiers: Orphanet 140162, MedGen C0027672, MeSH D009386, MONDO:0015356.
Familial cancer of breast. Also called: BREAST CANCER, FAMILIAL; Hereditary breast cancer; hereditary breast carcinoma. Identifiers: Orphanet 227535, MedGen C0346153, MONDO:0016419, OMIM 114480. Disease mechanism: loss of function.

Submissions (2):

Labcorp Genetics (formerly Invitae), Labcorp
Classification: Uncertain significance for Familial cancer of breast. Last evaluated: 2023-03-03. Review status: criteria provided, single submitter. Criteria: Invitae Variant Classification Sherloc (09022015). Collection method: clinical testing. Allele origin: germline.
Comment: Advanced modeling of protein sequence and biophysical properties (such as structural, functional, and spatial information, amino acid conservation, physicochemical variation, residue mobility, and thermodynamic stability) performed at Invitae indicates that this missense variant is not expected to disrupt PALB2 protein function. This sequence change replaces glutamic acid, which is acidic and polar, with alanine, which is neutral and non-polar, at codon 632 of the PALB2 protein (p.Glu632Ala). This variant is not present in population databases (gnomAD no frequency). This variant has not been reported in the literature in individuals affected with PALB2-related conditions. ClinVar contains an entry for this variant (Variation ID: 628589). In summary, the available evidence is currently insufficient to determine the role of this variant in disease. Therefore, it has been classified as a Variant of Uncertain Significance.

Color Diagnostics, LLC DBA Color Health
Classification: Uncertain significance for Hereditary cancer-predisposing syndrome. Last evaluated: 2018-07-29. Review status: criteria provided, single submitter. Criteria: ACMG Guidelines, 2015. Collection method: clinical testing. Allele origin: germline.

NM_024675.4(PALB2):c.1895A>C (p.Glu632Ala)

Gene: PALB2 (partner and localizer of BRCA2; minus strand). Cytogenetic location: 16p12.2.
Variant type: single nucleotide variant.
Coding change: c.1895A>C on transcript NM_024675.4 (MANE Select); coding-DNA position 1895, A replaced by C.
Protein change: p.Glu632Ala; replaces glutamic acid 632 with alanine.
Molecular consequence: missense variant.
Genome position (GRCh38, 1-based): chr16:23,630,259, T>G on the plus strand (A>C on the coding strand, the complement: PALB2 is on the minus strand). VCF-style: chr16-23630259-T-G. GRCh37 (hg19) VCF-style: chr16-23641580-T-G.
Other names: short protein forms E632A.
Identifiers: ClinVar variation 628589 (VCV000628589.5), dbSNP rs1567218562, ClinGen allele CA395127603.